The following is an entry in ClinVar:

NM_006929.5(SKIC2):c.1405C>T (p.Arg469Trp)

Gene: SKIC2 (SKI2 subunit of superkiller complex; plus strand). Cytogenetic location: 6p21.33.
Variant type: single nucleotide variant.
Coding change: c.1405C>T on transcript NM_006929.5 (MANE Select); coding-DNA position 1405, C replaced by T.
Protein change: p.Arg469Trp; replaces arginine 469 with tryptophan.
Molecular consequence: missense variant.
Genome position (GRCh38, 1-based): chr6:31,963,414, C>T. VCF-style: chr6-31963414-C-T. GRCh37 (hg19) VCF-style: chr6-31931191-C-T.
Other names: c.1405C>T (NM_006929.4); short protein forms R469W.
Identifiers: ClinVar variation 1382343 (VCV001382343.5), dbSNP rs1390121590, ClinGen allele CA363456250.

ClinVar aggregate classification (germline): Uncertain significance. Review status: criteria provided, multiple submitters, no conflicts (2 of 4 stars). 2 submissions from 2 submitters: Uncertain significance (2). Last evaluated 2024-12-25.

Conditions:
Inborn genetic diseases. Identifiers: MedGen C0950123, MeSH D030342.

Allele frequency attached by ClinVar (database versions not stated): gnomAD exomes below 0.00001 and 0.00001; gnomAD 0.00002.
gnomAD v4.1: 20 of 1,555,742 alleles (0.0013%); highest among the groups gnomAD compares: Middle Eastern, 0.017%; no homozygotes.

Submissions (2):

Ambry Genetics
Classification: Uncertain significance for Inborn genetic diseases. Last evaluated: 2024-12-25. Review status: criteria provided, single submitter. Criteria: Ambry Variant Classification Scheme 2023. Collection method: clinical testing. Allele origin: germline.

Labcorp Genetics (formerly Invitae), Labcorp
Classification: Uncertain significance. Last evaluated: 2024-10-09. Review status: criteria provided, single submitter. Criteria: Invitae Variant Classification Sherloc (09022015). Collection method: clinical testing. Allele origin: germline.
Comment: This sequence change replaces arginine, which is basic and polar, with tryptophan, which is neutral and slightly polar, at codon 469 of the SKIV2L protein (p.Arg469Trp). This variant is present in population databases (no rsID available, gnomAD 0.005%). This variant has not been reported in the literature in individuals affected with SKIV2L-related conditions. ClinVar contains an entry for this variant (Variation ID: 1382343). An algorithm developed to predict the effect of missense changes on protein structure and function (PolyPhen-2) suggests that this variant is likely to be disruptive. In summary, the available evidence is currently insufficient to determine the role of this variant in disease. Therefore, it has been classified as a Variant of Uncertain Significance.